The following is an entry in ClinVar:

NM_201384.3(PLEC):c.9817C>G (p.Gln3273Glu)

Gene: PLEC (plectin; minus strand). Cytogenetic location: 8q24.3.
Variant type: single nucleotide variant.
Coding change: c.9817C>G on transcript NM_201384.3 (MANE Select); coding-DNA position 9817, C replaced by G.
Protein change: p.Gln3273Glu; replaces glutamine 3273 with glutamic acid.
Molecular consequence: missense variant.
Genome position (GRCh38, 1-based): chr8:143,920,004, G>C on the plus strand (C>G on the coding strand, the complement: PLEC is on the minus strand). VCF-style: chr8-143920004-G-C. GRCh37 (hg19) VCF-style: chr8-144994172-G-C.
Other names: c.9898C>G, p.Gln3300Glu (NM_000445.5); c.9775C>G, p.Gln3259Glu (NM_201378.4); c.9751C>G, p.Gln3251Glu (NM_201379.3); c.10228C>G, p.Gln3410Glu (NM_201380.4); c.9721C>G, p.Gln3241Glu (NM_201381.3); c.9817C>G, p.Gln3273Glu (NM_201382.4); c.9829C>G, p.Gln3277Glu (NM_201383.3); short protein forms Q3277E, Q3251E, Q3273E, Q3300E, Q3410E, Q3241E, Q3259E.
Identifiers: ClinVar variation 858165 (VCV000858165.10), dbSNP rs782687489, ClinGen allele CA4924847.

ClinVar aggregate classification (germline): Uncertain significance (1 of 4 stars; one submission).

Conditions:
Epidermolysis bullosa simplex 5B, with muscular dystrophy (EBS5B). Also called: Epidermolysis bullosa simplex with muscular dystrophy; EPIDERMOLYSIS BULLOSA SIMPLEX AND LIMB-GIRDLE MUSCULAR DYSTROPHY. Identifiers: Orphanet 257, MedGen C2931072, MONDO:0009181, OMIM 226670.
Epidermolysis bullosa simplex 5C, with pyloric atresia (EBS5C). Also called: PLEC1-Related Epidermolysis Bullosa with Pyloric Atresia; Epidermolysis bullosa simplex with pyloric atresia; PLEC-Related Epidermolysis Bullosa with Pyloric Atresia. Identifiers: Orphanet 158684, MedGen C2677349, MONDO:0012807, OMIM 612138.
Epidermolysis bullosa simplex, Ogna type (EBS5A). Also called: Pidermolysis bullosa simplex 5A, Ogna type; EPIDERMOLYSIS BULLOSA SIMPLEX 5A, OGNA TYPE. Identifiers: Orphanet 79401, MedGen C0432317, MONDO:0007555, OMIM 131950.
Autosomal recessive limb-girdle muscular dystrophy type 2Q (LGMDR17). Also called: MUSCULAR DYSTROPHY, LIMB-GIRDLE, AUTOSOMAL RECESSIVE 17. Identifiers: Orphanet 254361, MedGen C3150989, MONDO:0013390, OMIM 613723.
Epidermolysis bullosa simplex with nail dystrophy (EBS5D). Identifiers: MedGen C4225309, MONDO:0014661, OMIM 616487.

Allele frequency attached by ClinVar (database versions not stated): gnomAD exomes below 0.00001; ExAC 0.00001.
gnomAD v4.1: 2 of 1,613,262 alleles (0.00012%); highest among the groups gnomAD compares: Non-Finnish European, 0.00017%; no homozygotes.

Submission:

Labcorp Genetics (formerly Invitae), Labcorp
Classification: Uncertain significance for Autosomal recessive limb-girdle muscular dystrophy type 2Q; Epidermolysis bullosa simplex, Ogna type; Epidermolysis bullosa simplex with nail dystrophy; Epidermolysis bullosa simplex 5C, with pyloric atresia; Epidermolysis bullosa simplex 5B, with muscular dystrophy. Last evaluated: 2019-02-18. Review status: criteria provided, single submitter. Criteria: Invitae Variant Classification Sherloc (09022015). Collection method: clinical testing. Allele origin: germline.
Comment: Algorithms developed to predict the effect of missense changes on protein structure and function (SIFT, PolyPhen-2, Align-GVGD) all suggest that this variant is likely to be disruptive, but these predictions have not been confirmed by published functional studies and their clinical significance is uncertain. In summary, the available evidence is currently insufficient to determine the role of this variant in disease. Therefore, it has been classified as a Variant of Uncertain Significance. This variant has not been reported in the literature in individuals with PLEC-related conditions. This variant is present in population databases (rs782687489, ExAC 0.002%). This sequence change replaces glutamine with glutamic acid at codon 3300 of the PLEC protein (p.Gln3300Glu). The glutamine residue is highly conserved and there is a small physicochemical difference between glutamine and glutamic acid.